The following is an entry in ClinVar:

ClinVar aggregate classification (germline): Uncertain significance (1 of 4 stars; one submission).

Conditions:
Norman-Roberts syndrome (LIS2). Also called: Lissencephaly 2 (Norman-Roberts type). Identifiers: Orphanet 89844, MedGen C0796089, MONDO:0009760, OMIM 257320.
Familial temporal lobe epilepsy 7. Identifiers: Orphanet 101046, MedGen C4225327, MONDO:0014639, OMIM 616436.

gnomAD v4.1: 3 of 1,614,226 alleles (0.00019%); highest among the groups gnomAD compares: Non-Finnish European, 0.00025%; no homozygotes.

Submission:

Labcorp Genetics (formerly Invitae), Labcorp
Classification: Uncertain significance for Familial temporal lobe epilepsy 7; Norman-Roberts syndrome. Last evaluated: 2025-02-05. Review status: criteria provided, single submitter. Criteria: Invitae Variant Classification Sherloc (09022015). Collection method: clinical testing. Allele origin: germline.
Comment: This sequence change replaces glutamine, which is neutral and polar, with leucine, which is neutral and non-polar, at codon 2777 of the RELN protein (p.Gln2777Leu). This variant is not present in population databases (gnomAD no frequency). This missense change has been observed in individual(s) with neurodevelopmental disorder (PMID: 33004838). Invitae Evidence Modeling of protein sequence and biophysical properties (such as structural, functional, and spatial information, amino acid conservation, physicochemical variation, residue mobility, and thermodynamic stability) indicates that this missense variant is not expected to disrupt RELN protein function with a negative predictive value of 80%. In summary, the available evidence is currently insufficient to determine the role of this variant in disease. Therefore, it has been classified as a Variant of Uncertain Significance.

Literature cited by the submitters: PubMed 33004838.

NM_005045.4(RELN):c.8330A>T (p.Gln2777Leu)

Genes: RELN (reelin; minus strand), SLC26A5-AS1 (SLC26A5 antisense RNA 1; plus strand). Cytogenetic location: 7q22.1.
Variant type: single nucleotide variant.
Coding change: c.8330A>T on transcript NM_005045.4 (MANE Select); coding-DNA position 8330, A replaced by T.
Protein change: p.Gln2777Leu; replaces glutamine 2777 with leucine.
Molecular consequence: missense variant.
Genome position (GRCh38, 1-based): chr7:103,503,175, T>A on the plus strand (A>T on the coding strand, the complement: RELN is on the minus strand). VCF-style: chr7-103503175-T-A. GRCh37 (hg19) VCF-style: chr7-103143622-T-A.
Other names: c.8330A>T, p.Gln2777Leu (NM_173054.3); short protein forms Q2777L.
Identifiers: ClinVar variation 3749631 (VCV003749631.2).